The following is an entry in ClinVar:

NM_002317.7(LOX):c.1169A>C (p.Asp390Ala)

Genes: LOX (lysyl oxidase; minus strand), SRFBP1 (serum response factor binding protein 1; plus strand). Cytogenetic location: 5q23.1.
Variant type: single nucleotide variant.
Coding change: c.1169A>C on transcript NM_002317.7 (MANE Select); coding-DNA position 1169, A replaced by C.
Protein change: p.Asp390Ala; replaces aspartic acid 390 with alanine.
Molecular consequence: missense variant.
Genome position (GRCh38, 1-based): chr5:122,070,131, T>G on the plus strand (A>C on the coding strand, the complement: LOX is on the minus strand). VCF-style: chr5-122070131-T-G. GRCh37 (hg19) VCF-style: chr5-121405826-T-G.
Other names: c.479A>C, p.Asp160Ala (NM_001178102.2); c.278A>C, p.Asp93Ala (NM_001317073.1); c.1169A>C (NM_002317.5); short protein forms D390A, D160A, D93A.
Identifiers: ClinVar variation 2839495 (VCV002839495.4), dbSNP rs2532901107, ClinGen allele CA360880286.

ClinVar aggregate classification (germline): Uncertain significance. Review status: criteria provided, multiple submitters, no conflicts (2 of 4 stars). 2 submissions from 2 submitters: Uncertain significance (2). Last evaluated 2025-08-30.

Conditions:
Cardiovascular phenotype. Identifiers: MedGen CN230736.

Submissions (2):

Ambry Genetics
Classification: Uncertain significance for Cardiovascular phenotype. Last evaluated: 2025-08-30. Review status: criteria provided, single submitter. Criteria: Ambry Variant Classification Scheme 2023. Collection method: clinical testing. Allele origin: germline.
Comment: The p.D390A variant (also known as c.1169A>C), located in coding exon 6 of the LOX gene, results from an A to C substitution at nucleotide position 1169. The aspartic acid at codon 390 is replaced by alanine, an amino acid with dissimilar properties. This amino acid position is conserved. In addition, this alteration is predicted to be deleterious by in silico analysis. Based on the available evidence, the clinical significance of this variant remains unclear.

Labcorp Genetics (formerly Invitae), Labcorp
Classification: Uncertain significance. Last evaluated: 2023-02-21. Review status: criteria provided, single submitter. Criteria: Invitae Variant Classification Sherloc (09022015). Collection method: clinical testing. Allele origin: germline.
Comment: This variant has not been reported in the literature in individuals affected with LOX-related conditions. In summary, the available evidence is currently insufficient to determine the role of this variant in disease. Therefore, it has been classified as a Variant of Uncertain Significance. Advanced modeling of protein sequence and biophysical properties (such as structural, functional, and spatial information, amino acid conservation, physicochemical variation, residue mobility, and thermodynamic stability) has been performed at Invitae for this missense variant, however the output from this modeling did not meet the statistical confidence thresholds required to predict the impact of this variant on LOX protein function. This variant is not present in population databases (gnomAD no frequency). This sequence change replaces aspartic acid, which is acidic and polar, with alanine, which is neutral and non-polar, at codon 390 of the LOX protein (p.Asp390Ala).